The following is an entry in ClinVar:

NM_003742.4(ABCB11):c.126C>T (p.Gly42=)

Gene: ABCB11 (ATP binding cassette subfamily B member 11; minus strand). Cytogenetic location: 2q31.1.
Variant type: single nucleotide variant.
Coding change: c.126C>T on transcript NM_003742.4 (MANE Select); coding-DNA position 126, C replaced by T.
Protein change: p.Gly42=; no amino-acid change (glycine 42 retained).
Molecular consequence: synonymous variant.
Genome position (GRCh38, 1-based): chr2:169,014,327, G>A on the plus strand (C>T on the coding strand, the complement: ABCB11 is on the minus strand). VCF-style: chr2-169014327-G-A. GRCh37 (hg19) VCF-style: chr2-169870837-G-A.
Other names: c.126C>T, p.Gly42= (LRG_1199t1).
Identifiers: ClinVar variation 594454 (VCV000594454.17), dbSNP rs138800291, ClinGen allele CA1951977.
Genomic context (GRCh38, chr2:169,014,327, plus strand): 5'-CACACCCACTGCCATAAATCAACACAGTTTTATTACCAATTGAAAGAAGCCAACTCTAAC[G>A]CCATCACCTTTCTTCTCATCTTGTAACCTGATGAGAAAAACATAAGGATTTAAAGACCAC-3'
Protein context (NP_003733.2, residues 32-52): SRLQDEKKGD[Gly42=]VRVGFFQLFR

ClinVar aggregate classification (germline): Conflicting classifications of pathogenicity. Review status: criteria provided, conflicting classifications (1 of 4 stars). 3 submissions from 3 submitters: Uncertain significance (1); Likely benign (1). 1 of the submissions does not count toward it. Last evaluated 2026-01-18.

Conditions:
ABCB11-related disorder. Also called: ABCB11-related condition.

Allele frequency attached by ClinVar (database versions not stated): gnomAD 0.00003 and 0.00004; ExAC 0.00004; TOPMed 0.00005; 1000 Genomes Project 30x 0.00016; 1000 Genomes Project 0.00020.
gnomAD v4.1: 39 of 1,613,244 alleles (0.0024%); highest among the groups gnomAD compares: Admixed American, 0.022%; no homozygotes.

Submissions (3):

Labcorp Genetics (formerly Invitae), Labcorp
Classification: Likely benign. Last evaluated: 2026-01-18. Review status: criteria provided, single submitter. Criteria: Invitae Variant Classification Sherloc (09022015). Collection method: clinical testing. Allele origin: germline.

Eurofins Ntd Llc (ga)
Classification: Uncertain significance. Last evaluated: 2017-10-09. Review status: criteria provided, single submitter. Criteria: EGL Classification Definitions 2015. Collection method: clinical testing. Allele origin: germline. Observed: 1 variant allele, 1 heterozygote.

PreventionGenetics, part of Exact Sciences
Classification: Likely benign for ABCB11-related condition. Last evaluated: 2021-08-02. Review status: no assertion criteria provided. Collection method: clinical testing. Allele origin: germline. Not counted in ClinVar's aggregate classification.
Comment: This variant is classified as likely benign based on ACMG/AMP sequence variant interpretation guidelines (Richards et al. 2015 PMID: 25741868, with internal and published modifications).